The following is an entry in ClinVar:

NM_006915.3(RP2):c.286G>A (p.Val96Met)

Gene: RP2 (RP2 activator of ARL3 GTPase; plus strand). Cytogenetic location: Xp11.3.
Variant type: single nucleotide variant.
Coding change: c.286G>A on transcript NM_006915.3 (MANE Select); coding-DNA position 286, G replaced by A.
Protein change: p.Val96Met; replaces valine 96 with methionine.
Molecular consequence: missense variant.
Genome position (GRCh38, 1-based): chrX:46,853,659, G>A. VCF-style: chrX-46853659-G-A. GRCh37 (hg19) VCF-style: chrX-46713094-G-A.
Other names: c.286G>A (NM_006915.2); short protein forms V96M.
Identifiers: ClinVar variation 1011905 (VCV001011905.10), dbSNP rs782229330, ClinGen allele CA10394202.

ClinVar aggregate classification (germline): Uncertain significance. Review status: criteria provided, multiple submitters, no conflicts (2 of 4 stars). 4 submissions from 4 submitters: Uncertain significance (4). Last evaluated 2025-12-15.

Conditions:
Retinitis pigmentosa 2 (RP2). Also called: Retinitis pigmentosa 2, X linked. Identifiers: Orphanet 791, MedGen C2681923, MONDO:0010723, OMIM 312600.
Inborn genetic diseases. Identifiers: MedGen C0950123, MeSH D030342.

Allele frequency attached by ClinVar (database versions not stated): gnomAD exomes 0.00002; ExAC 0.00003; gnomAD 0.00004; TOPMed 0.00008.
gnomAD v4.1: 13 of 1,209,934 alleles (0.0011%); highest among the groups gnomAD compares: Middle Eastern, 0.023%; no homozygotes.

Submissions (4):

Ambry Genetics
Classification: Uncertain significance for Inborn genetic diseases. Last evaluated: 2025-12-15. Review status: criteria provided, single submitter. Criteria: Ambry Variant Classification Scheme 2023. Collection method: clinical testing. Allele origin: germline.

Fulgent Genetics
Classification: Uncertain significance for Retinitis pigmentosa 2. Last evaluated: 2021-11-11. Review status: criteria provided, single submitter. Criteria: ACMG Guidelines, 2015. Collection method: clinical testing. Allele origin: unknown.

Labcorp Genetics (formerly Invitae), Labcorp
Classification: Uncertain significance. Last evaluated: 2021-08-24. Review status: criteria provided, single submitter. Criteria: Invitae Variant Classification Sherloc (09022015). Collection method: clinical testing. Allele origin: germline.
Comment: This sequence change replaces valine with methionine at codon 96 of the RP2 protein (p.Val96Met). The valine residue is highly conserved and there is a small physicochemical difference between valine and methionine. This variant is present in population databases (rs782229330, ExAC 0.01%), including at least one homozygous and/or hemizygous individual. This variant has not been reported in the literature in individuals affected with RP2-related conditions. Algorithms developed to predict the effect of missense changes on protein structure and function are either unavailable or do not agree on the potential impact of this missense change (SIFT: "Deleterious"; PolyPhen-2: "Probably Damaging"; Align-GVGD: "Class C0"). In summary, the available evidence is currently insufficient to determine the role of this variant in disease. Therefore, it has been classified as a Variant of Uncertain Significance.

Blueprint Genetics
Classification: Uncertain significance. Last evaluated: 2020-11-19. Review status: criteria provided, single submitter. Criteria: ACMG Guidelines, 2015. Collection method: clinical testing. Allele origin: germline.